The following is an entry in ClinVar:

ClinVar aggregate classification (germline): Uncertain significance. Review status: criteria provided, multiple submitters, no conflicts (2 of 4 stars). 4 submissions from 4 submitters: Uncertain significance (4). Last evaluated 2025-12-24.

Conditions:
Autosomal recessive nonsyndromic hearing loss 97. Also called: Deafness, autosomal recessive 97. Identifiers: Orphanet 90636, MedGen C4084709, MONDO:0014739, OMIM 616705.
Renal cell carcinoma. Identifiers: Orphanet 217071, MedGen C0007134, MeSH D002292, MONDO:0005086, HP:0005584.
Hereditary cancer-predisposing syndrome. Also called: Hereditary neoplastic syndrome; Tumor predisposition; Neoplastic Syndromes, Hereditary; Hereditary Cancer Syndrome. Identifiers: Orphanet 140162, MedGen C0027672, MeSH D009386, MONDO:0015356.

Allele frequency attached by ClinVar (database versions not stated): gnomAD 0.00001; TOPMed 0.00001.
gnomAD v4.1: 1 of 1,612,794 alleles (0.000062%); highest among the groups gnomAD compares: Non-Finnish European, 0.000085%; no homozygotes.

Submissions (4):

Labcorp Genetics (formerly Invitae), Labcorp
Classification: Uncertain significance for Renal cell carcinoma. Last evaluated: 2025-12-24. Review status: criteria provided, single submitter. Criteria: Invitae Variant Classification Sherloc (09022015). Collection method: clinical testing. Allele origin: germline.
Comment: This sequence change replaces valine, which is neutral and non-polar, with methionine, which is neutral and non-polar, at codon 806 of the MET protein (p.Val806Met). This variant is not present in population databases (gnomAD no frequency). This missense change has been observed in individual(s) with pheochromocytoma (PMID: 26700204). ClinVar contains an entry for this variant (Variation ID: 569466). An algorithm developed to predict the effect of missense changes on protein structure and function (PolyPhen-2) suggests that this variant is likely to be disruptive. In summary, the available evidence is currently insufficient to determine the role of this variant in disease. Therefore, it has been classified as a Variant of Uncertain Significance.

Ambry Genetics
Classification: Uncertain significance for Hereditary cancer-predisposing syndrome. Last evaluated: 2025-12-11. Review status: criteria provided, single submitter. Criteria: Ambry Variant Classification Scheme 2023. Collection method: clinical testing. Allele origin: germline.
Comment: The p.V806M variant (also known as c.2416G>A), located in coding exon 9 of the MET gene, results from a G to A substitution at nucleotide position 2416. The valine at codon 806 is replaced by methionine, an amino acid with highly similar properties. This alteration was detected in the exome of an index case of a three-generation kindred with non-syndromic pheochromocytomas (Toledo RA et al. Clin Cancer Res, 2016 05;22:2301-10). This amino acid position is highly conserved in available vertebrate species. In addition, this alteration is predicted to be tolerated by in silico analysis. Since supporting evidence is limited at this time, the clinical significance of this alteration remains unclear.

GeneDx
Classification: Uncertain significance. Last evaluated: 2023-10-27. Review status: criteria provided, single submitter. Criteria: GeneDx Variant Classification Process June 2021. Collection method: clinical testing. Allele origin: germline. Affected: yes.
Comment: Not observed at significant frequency in large population cohorts (gnomAD); In silico analysis supports that this missense variant does not alter protein structure/function; Observed in a case of familial pheochromocytoma (PMID: 26700204); This variant is associated with the following publications: (PMID: 26700204)

Baylor Genetics
Classification: Uncertain significance for Autosomal recessive nonsyndromic hearing loss 97. Last evaluated: 2023-06-27. Review status: criteria provided, single submitter. Criteria: ACMG Guidelines, 2015. Collection method: clinical testing. Allele origin: unknown.

Literature cited by the submitters: PubMed 26700204 (cited by Labcorp Genetics (formerly Invitae), Labcorp and Ambry Genetics).

NM_000245.4(MET):c.2362G>A (p.Val788Met)

Gene: MET (MET proto-oncogene, receptor tyrosine kinase; plus strand). Cytogenetic location: 7q31.2.
Variant type: single nucleotide variant.
Coding change: c.2362G>A on transcript NM_000245.4 (MANE Select); coding-DNA position 2362, G replaced by A.
Protein change: p.Val788Met; replaces valine 788 with methionine.
Molecular consequence: missense variant.
Genome position (GRCh38, 1-based): chr7:116,759,488, G>A. VCF-style: chr7-116759488-G-A. GRCh37 (hg19) VCF-style: chr7-116399542-G-A.
Other names: c.2416G>A, p.Val806Met (NM_001127500.3); c.2362G>A, p.Val788Met (NM_001324401.3); c.1072G>A, p.Val358Met (NM_001324402.2); short protein forms V806M, V358M, V788M.
Identifiers: ClinVar variation 569466 (VCV000569466.19), dbSNP rs1489302008, ClinGen allele CA368982584.
Genomic context (GRCh38, chr7:116,759,488, plus strand): 5'-AATTCAGTTAGTGTCCCGAGAATGGTCATAAATGTGCATGAAGCAGGAAGGAACTTTACA[G>A]TGGTAAGTCCTTTGAGCAATGGTTCTACTCAGAGCTCTGCATCTTTGCCTCTAACCATGT-3'
Protein context (NP_000236.2, residues 778-798): NVHEAGRNFT[Val788Met]ACQHRSNSEI